The following is an entry in ClinVar:

ClinVar aggregate classification (germline): Uncertain significance. Review status: criteria provided, multiple submitters, no conflicts (2 of 4 stars). 2 submissions from 2 submitters: Uncertain significance (2). Last evaluated 2025-06-07.

Conditions:
Inborn genetic diseases. Identifiers: MedGen C0950123, MeSH D030342.

Allele frequency attached by ClinVar (database versions not stated): gnomAD 0.00001; ExAC 0.00002; gnomAD exomes 0.00002; TOPMed 0.00003.
gnomAD v4.1: 34 of 1,609,174 alleles (0.0021%); highest among the groups gnomAD compares: Middle Eastern, 0.016%; no homozygotes.

Submissions (2):

Ambry Genetics
Classification: Uncertain significance for Inborn genetic diseases. Last evaluated: 2025-06-07. Review status: criteria provided, single submitter. Criteria: Ambry Variant Classification Scheme 2023. Collection method: clinical testing. Allele origin: germline.

Labcorp Genetics (formerly Invitae), Labcorp
Classification: Uncertain significance. Last evaluated: 2022-06-23. Review status: criteria provided, single submitter. Criteria: Invitae Variant Classification Sherloc (09022015). Collection method: clinical testing. Allele origin: germline.
Comment: Algorithms developed to predict the effect of missense changes on protein structure and function (SIFT, PolyPhen-2, Align-GVGD) all suggest that this variant is likely to be tolerated. This sequence change replaces aspartic acid, which is acidic and polar, with valine, which is neutral and non-polar, at codon 94 of the CEACAM16 protein (p.Asp94Val). This variant is present in population databases (rs778130089, gnomAD 0.005%). This variant has not been reported in the literature in individuals affected with CEACAM16-related conditions. In summary, the available evidence is currently insufficient to determine the role of this variant in disease. Therefore, it has been classified as a Variant of Uncertain Significance.

NM_001039213.4(CEACAM16):c.281A>T (p.Asp94Val)

Genes: CEACAM16 (CEA cell adhesion molecule 16, tectorial membrane component; plus strand), CEACAM16-AS1 (CEACAM16, CEACAM19 and PVR antisense RNA 1; minus strand). Cytogenetic location: 19q13.32.
Variant type: single nucleotide variant.
Coding change: c.281A>T on transcript NM_001039213.4 (MANE Select); coding-DNA position 281, A replaced by T.
Protein change: p.Asp94Val; replaces aspartic acid 94 with valine.
Molecular consequence: missense variant.
Genome position (GRCh38, 1-based): chr19:44,703,592, A>T. VCF-style: chr19-44703592-A-T. GRCh37 (hg19) VCF-style: chr19-45206862-A-T.
Other names: c.281A>T (NM_001039213.2); short protein forms D94V.
Identifiers: ClinVar variation 2201722 (VCV002201722.5), dbSNP rs778130089, ClinGen allele CA9503002.